The following is an entry in ClinVar:

ClinVar aggregate classification (germline): Likely benign (0 of 4 stars; one submission).

Conditions:
MUC16-related disorder. Also called: MUC16-related condition.

Submission:

PreventionGenetics, part of Exact Sciences
Classification: Likely benign for MUC16-related condition. Last evaluated: 2019-12-12. Review status: no assertion criteria provided. Collection method: clinical testing. Allele origin: germline.
Comment: This variant is classified as likely benign based on ACMG/AMP sequence variant interpretation guidelines (Richards et al. 2015 PMID: 25741868, with internal and published modifications).

NM_001401501.2(MUC16):c.38361C>T (p.Asn12787=)

Gene: MUC16 (mucin 16, cell surface associated; minus strand). Cytogenetic location: 19p13.2.
Variant type: single nucleotide variant.
Coding change: c.38361C>T on transcript NM_001401501.2 (MANE Select); coding-DNA position 38361, C replaced by T.
Protein change: p.Asn12787=; no amino-acid change (asparagine 12787 retained).
Molecular consequence: synonymous variant.
Genome position (GRCh38, 1-based): chr19:8,904,972, G>A on the plus strand (C>T on the coding strand, the complement: MUC16 is on the minus strand). VCF-style: chr19-8904972-G-A. GRCh37 (hg19) VCF-style: chr19-9015648-G-A.
Other names: c.38787C>T, p.Asn12929= (NM_001414686.1); c.38241C>T, p.Asn12747= (NM_001414687.1); c.38175C>T, p.Asn12725= (NM_024690.2).
Identifiers: ClinVar variation 3356716 (VCV003356716.1).